The following is an entry in ClinVar:

NM_002485.5(NBN):c.2T>C (p.Met1Thr)

Gene: NBN (nibrin; minus strand). Cytogenetic location: 8q21.3.
Variant type: single nucleotide variant.
Coding change: c.2T>C on transcript NM_002485.5 (MANE Select); coding-DNA position 2, T replaced by C.
Protein change: p.Met1Thr; changes the start codon (methionine 1).
Molecular consequence: missense variant, initiator codon variant. On other transcripts: 5 prime UTR variant (1).
Genome position (GRCh38, 1-based): chr8:89,984,560, A>G on the plus strand (T>C on the coding strand, the complement: NBN is on the minus strand). VCF-style: chr8-89984560-A-G. GRCh37 (hg19) VCF-style: chr8-90996788-A-G.
Other names: c.-295T>C (NM_001024688.3); short protein forms M1T.
Identifiers: ClinVar variation 421151 (VCV000421151.18), dbSNP rs746422391, ClinGen allele CA4803109.

ClinVar aggregate classification (germline): Conflicting classifications of pathogenicity. Review status: criteria provided, conflicting classifications (1 of 4 stars). 5 submissions from 5 submitters: Likely pathogenic (2); Uncertain significance (3). Last evaluated 2025-02-25.

Conditions:
Microcephaly, normal intelligence and immunodeficiency (NBS). Also called: Nijmegen breakage syndrome; Microcephaly with normal intelligence immunodeficiency and lymphoreticular malignancies; Nonsyndromal microcephaly autosomal recessive with normal intelligence; Seemanova syndrome 2; BERLIN BREAKAGE SYNDROME; SEEMANOVA SYNDROME II. Identifiers: Orphanet 647, MedGen C0398791, MONDO:0009623, OMIM 251260.
Hereditary cancer-predisposing syndrome. Also called: Tumor predisposition; Hereditary Cancer Syndrome; Hereditary neoplastic syndrome; Neoplastic Syndromes, Hereditary. Identifiers: Orphanet 140162, MedGen C0027672, MeSH D009386, MONDO:0015356.

Allele frequency attached by ClinVar (database versions not stated): gnomAD exomes below 0.00001; TOPMed below 0.00001; ExAC 0.00001.

Submissions (5):

Labcorp Genetics (formerly Invitae), Labcorp
Classification: Uncertain significance for Microcephaly, normal intelligence and immunodeficiency. Last evaluated: 2025-02-25. Review status: criteria provided, single submitter. Criteria: Invitae Variant Classification Sherloc (09022015). Collection method: clinical testing. Allele origin: germline.
Comment: This sequence change affects the initiator methionine of the NBN mRNA. The next in-frame methionine is located at codon 83. This variant is not present in population databases (gnomAD no frequency). Disruption of the initiator codon has been observed in individual(s) with rectal adenocarcinoma (PMID: 29625052, 36346689). ClinVar contains an entry for this variant (Variation ID: 421151). This variant at the initiator codon is expected to affect translation initiation. Rescue of translation at the next in-frame methionine at codon 83 is expected to disrupt the forkhead-associated (FHA) domain (PMID: 9590180, 26315354), which facilitates DNA repair responses (PMID: 11062235, 19804755, 12433983). However, functional studies have not been performed for this variant. In summary, the available evidence is currently insufficient to determine the role of this variant in disease. Therefore, it has been classified as a Variant of Uncertain Significance.

Blueprint Genetics
Classification: Uncertain significance. Last evaluated: 2024-05-08. Review status: criteria provided, single submitter. Criteria: ACMG Guidelines, 2015. Collection method: clinical testing. Allele origin: germline.

Ambry Genetics
Classification: Likely pathogenic for Hereditary cancer-predisposing syndrome. Last evaluated: 2022-10-12. Review status: criteria provided, single submitter. Criteria: Ambry Variant Classification Scheme 2023. Collection method: clinical testing. Allele origin: germline.
Comment: The p.M1? variant (also known as c.2T>C) is located in coding exon 1 of the NBN gene and results from a T to C substitution at nucleotide position 2. This alters the methionine residue at the initiation codon (ATG). There is an in-frame methionine 83 amino acids downstream, which may act as an alternative initiation codon and result in an N-terminal truncation; however, direct evidence is unavailable. This variant is considered to be rare based on population cohorts in the Genome Aggregation Database (gnomAD). This amino acid position is highly conserved in available vertebrate species. Sequence variations that modify the initiation codon are expected to result in either loss of translation initiation, N-terminal truncation, or cause a shift in the mRNA reading frame. Based on the majority of available evidence to date, this variant is likely to be pathogenic.

Genome-Nilou Lab
Classification: Uncertain significance for Microcephaly, normal intelligence and immunodeficiency. Last evaluated: 2021-11-07. Review status: criteria provided, single submitter. Criteria: ACMG Guidelines, 2015. Collection method: clinical testing. Allele origin: germline. Affected: no.

GeneDx
Classification: Likely pathogenic. Last evaluated: 2021-10-31. Review status: criteria provided, single submitter. Criteria: GeneDx Variant Classification Process June 2021. Collection method: clinical testing. Allele origin: germline. Affected: yes.
Comment: Initiation codon variant in a gene for which loss-of-function is a known mechanism of disease; Not observed at significant frequency in large population cohorts (Lek et al., 2016); Reported in an individual with rectal cancer (Huang 2018); This variant is associated with the following publications: (PMID: 29625052)

Literature cited by the submitters: PubMed 29625052 (cited by Labcorp Genetics (formerly Invitae), Labcorp and Ambry Genetics); PubMed 36346689 (cited by Labcorp Genetics (formerly Invitae), Labcorp); PubMed 9590180 (cited by Labcorp Genetics (formerly Invitae), Labcorp); PubMed 26315354 (cited by Labcorp Genetics (formerly Invitae), Labcorp); PubMed 11062235 (cited by Labcorp Genetics (formerly Invitae), Labcorp); PubMed 19804755 (cited by Labcorp Genetics (formerly Invitae), Labcorp); PubMed 12433983 (cited by Labcorp Genetics (formerly Invitae), Labcorp); PubMed 28975465 (cited by Ambry Genetics).